The following is an entry in ClinVar:

NM_002072.5(GNAQ):c.862C>A (p.Leu288Ile)

Gene: GNAQ (G protein subunit alpha q; minus strand). Cytogenetic location: 9q21.2.
Variant type: single nucleotide variant.
Coding change: c.862C>A on transcript NM_002072.5 (MANE Select); coding-DNA position 862, C replaced by A.
Protein change: p.Leu288Ile; replaces leucine 288 with isoleucine.
Molecular consequence: missense variant.
Genome position (GRCh38, 1-based): chr9:77,728,541, G>T on the plus strand (C>A on the coding strand, the complement: GNAQ is on the minus strand). VCF-style: chr9-77728541-G-T. GRCh37 (hg19) VCF-style: chr9-80343457-G-T.
Other names: short protein forms L288I.
Identifiers: ClinVar variation 2290556 (VCV002290556.3), dbSNP rs886255565, ClinGen allele CA194710016.

ClinVar aggregate classification (germline): Uncertain significance. Review status: criteria provided, multiple submitters, no conflicts (2 of 4 stars). 2 submissions from 2 submitters: Uncertain significance (2). Last evaluated 2024-11-18.

Conditions:
Inborn genetic diseases. Identifiers: MedGen C0950123, MeSH D030342.

Allele frequency attached by ClinVar (database versions not stated): TOPMed 0.00003; gnomAD 0.00005.
gnomAD v4.1: 11 of 1,604,790 alleles (0.00069%); highest among the groups gnomAD compares: African/African-American, 0.015%; no homozygotes.

Submissions (2):

Women's Health and Genetics/Laboratory Corporation of America, LabCorp
Classification: Uncertain significance. Last evaluated: 2024-11-18. Review status: criteria provided, single submitter. Criteria: LabCorp Variant Classification Summary - May 2015. Collection method: clinical testing. Allele origin: germline.
Comment: Variant summary: GNAQ c.862C>A (p.Leu288Ile) results in a conservative amino acid change located in the G protein alpha subunit domain (IPR001019) of the encoded protein sequence. Three of five in-silico tools predict a benign effect of the variant on protein function. The variant allele was found at a frequency of 4e-06 in 251350 control chromosomes. The available data on variant occurrences in the general population are insufficient to allow any conclusion about variant significance. To our knowledge, no occurrence of c.862C>A in individuals affected with GNAQ-Related Disorders and no experimental evidence demonstrating its impact on protein function have been reported. ClinVar contains an entry for this variant (Variation ID: 2290556). Based on the evidence outlined above, the variant was classified as uncertain significance.

Ambry Genetics
Classification: Uncertain significance for Inborn genetic diseases. Last evaluated: 2022-05-25. Review status: criteria provided, single submitter. Criteria: Ambry Variant Classification Scheme 2023. Collection method: clinical testing. Allele origin: germline.